The following is an entry in ClinVar:

ClinVar aggregate classification (germline): Uncertain significance. Review status: criteria provided, multiple submitters, no conflicts (2 of 4 stars). 5 submissions from 5 submitters: Uncertain significance (5). Last evaluated 2026-02-27.

Conditions:
Congenital portosystemic shunt. Identifiers: Orphanet 480531, MedGen C1290495, MONDO:0018811.
Orofaciodigital syndrome type 14. Also called: Orofaciodigital syndrome xiv. Identifiers: Orphanet 434179, MedGen C4706604, MONDO:0014413, OMIM 615948.
Inborn genetic diseases. Identifiers: MedGen C0950123, MeSH D030342.

Allele frequency attached by ClinVar (database versions not stated): ExAC 0.00005; gnomAD exomes 0.00005; gnomAD 0.00011; TOPMed 0.00015.

Submissions (5):

Department of Pediatrics, Graduate School of Medical Sciences, Kyushu University
Classification: Uncertain significance for Congenital portosystemic shunt. Last evaluated: 2026-02-27. Review status: criteria provided, single submitter. Criteria: ACMG Guidelines, 2015. Collection method: research. Allele origin: germline. Affected: yes.
Comment: Both variants are rare or absent in population databases such as gnomAD, and in silico prediction tools including CADD suggest potential deleterious effects. However, the relationship between this gene and CPSS has not been established. Therefore, the clinical significance of this variant is currently classified as a variant of uncertain significance (VUS).

Ambry Genetics
Classification: Uncertain significance for Inborn genetic diseases. Last evaluated: 2025-09-25. Review status: criteria provided, single submitter. Criteria: Ambry Variant Classification Scheme 2023. Collection method: clinical testing. Allele origin: germline.

Labcorp Genetics (formerly Invitae), Labcorp
Classification: Uncertain significance. Last evaluated: 2024-10-24. Review status: criteria provided, single submitter. Criteria: Invitae Variant Classification Sherloc (09022015). Collection method: clinical testing. Allele origin: germline.
Comment: This sequence change replaces arginine, which is basic and polar, with cysteine, which is neutral and slightly polar, at codon 38 of the C2CD3 protein (p.Arg38Cys). This variant is present in population databases (rs764051582, gnomAD 0.01%). This variant has not been reported in the literature in individuals affected with C2CD3-related conditions. ClinVar contains an entry for this variant (Variation ID: 1806580). Invitae Evidence Modeling of protein sequence and biophysical properties (such as structural, functional, and spatial information, amino acid conservation, physicochemical variation, residue mobility, and thermodynamic stability) indicates that this missense variant is expected to disrupt C2CD3 protein function with a positive predictive value of 80%. In summary, the available evidence is currently insufficient to determine the role of this variant in disease. Therefore, it has been classified as a Variant of Uncertain Significance.

GeneDx
Classification: Uncertain significance. Last evaluated: 2022-06-20. Review status: criteria provided, single submitter. Criteria: GeneDx Variant Classification Process June 2021. Collection method: clinical testing. Allele origin: germline. Affected: yes.
Comment: In silico analysis supports that this missense variant has a deleterious effect on protein structure/function; Has not been previously published as pathogenic or benign to our knowledge

Juno Genomics, Hangzhou Juno Genomics, Inc
Classification: Uncertain significance for Orofaciodigital syndrome type 14. Review status: criteria provided, single submitter. Criteria: ACMG Guidelines, 2015. Collection method: clinical testing. Allele origin: germline.
Comment: Absent from controls (or at extremely low frequency if recessive) in Genome Aggregation Database.;Multiple lines of computational evidence suggest no impact on gene or gene product.

NM_001286577.2(C2CD3):c.112C>T (p.Arg38Cys)

Gene: C2CD3 (C2 domain containing 3 centriole elongation regulator; minus strand). Cytogenetic location: 11q13.4.
Variant type: single nucleotide variant.
Coding change: c.112C>T on transcript NM_001286577.2 (MANE Select); coding-DNA position 112, C replaced by T.
Protein change: p.Arg38Cys; replaces arginine 38 with cysteine.
Molecular consequence: missense variant.
Genome position (GRCh38, 1-based): chr11:74,168,557, G>A on the plus strand (C>T on the coding strand, the complement: C2CD3 is on the minus strand). VCF-style: chr11-74168557-G-A. GRCh37 (hg19) VCF-style: chr11-73879602-G-A.
Other names: c.112C>T, p.Arg38Cys (NM_015531.6); c.112C>T (NM_015531.4); short protein forms R38C.
Identifiers: ClinVar variation 1806580 (VCV001806580.8), dbSNP rs764051582, ClinGen allele CA6183312.
Genomic context (GRCh38, chr11:74,168,557, plus strand): 5'-AAGTGGGAGGCTTTGCAATCTTCCATATGACTCTATTAACAGTAAGTTTTAGAAAACAGC[G>A]TAGCTGGCCTTCAACCAGAGGTGGCAGGCTTGTAGATGGAGAAATGTCACTTAAACCTGT-3'
Protein context (NP_001273506.1, residues 28-48): SLPPLVEGQL[Arg38Cys]CFLKLTVNRV